The following is an entry in ClinVar:

NM_138576.4(BCL11B):c.539G>T (p.Cys180Phe)

Gene: BCL11B (BCL11 transcription factor B; minus strand). Cytogenetic location: 14q32.2.
Variant type: single nucleotide variant.
Coding change: c.539G>T on transcript NM_138576.4 (MANE Select); coding-DNA position 539, G replaced by T.
Protein change: p.Cys180Phe; replaces cysteine 180 with phenylalanine.
Molecular consequence: missense variant. On other transcripts: intron variant (2).
Genome position (GRCh38, 1-based): chr14:99,231,446, C>A on the plus strand (G>T on the coding strand, the complement: BCL11B is on the minus strand). VCF-style: chr14-99231446-C-A. GRCh37 (hg19) VCF-style: chr14-99697783-C-A.
Other names: c.536G>T, p.Cys179Phe (NM_001282237.2); c.424+26025G>T (NM_001282238.2); c.427+26025G>T (NM_022898.3); short protein forms C180F, C179F.
Identifiers: ClinVar variation 4746839 (VCV004746839.1).

ClinVar aggregate classification (germline): Uncertain significance (1 of 4 stars; one submission).

Submission:

Labcorp Genetics (formerly Invitae), Labcorp
Classification: Uncertain significance. Last evaluated: 2025-03-27. Review status: criteria provided, single submitter. Criteria: Invitae Variant Classification Sherloc (09022015). Collection method: clinical testing. Allele origin: germline.
Comment: This sequence change replaces cysteine, which is neutral and slightly polar, with phenylalanine, which is neutral and non-polar, at codon 180 of the BCL11B protein (p.Cys180Phe). This variant is not present in population databases (gnomAD no frequency). This variant has not been reported in the literature in individuals affected with BCL11B-related conditions. Invitae Evidence Modeling of protein sequence and biophysical properties (such as structural, functional, and spatial information, amino acid conservation, physicochemical variation, residue mobility, and thermodynamic stability) indicates that this missense variant is not expected to disrupt BCL11B protein function with a negative predictive value of 95%. In summary, the available evidence is currently insufficient to determine the role of this variant in disease. Therefore, it has been classified as a Variant of Uncertain Significance.